The following is an entry in ClinVar:

NM_016239.4(MYO15A):c.2176del (p.Ala726fs)

Gene: MYO15A (myosin XVA; plus strand). Cytogenetic location: 17p11.2.
Variant type: Deletion.
Coding change: c.2176del on transcript NM_016239.4 (MANE Select); coding-DNA position 2176, one base deleted (G; older notation c.2176delG).
Protein change: p.Ala726fs; shifts the reading frame from alanine 726.
Molecular consequence: frameshift variant.
Genome position (GRCh38, 1-based): chr17:18,120,976, G deleted. VCF-style (leftmost placement, unchanged base first): chr17-18120975-TG-T. GRCh37 (hg19) VCF-style: chr17-18024289-TG-T.
Other names: short protein forms A726fs.
Identifiers: ClinVar variation 5005707 (VCV005005707.2).

ClinVar aggregate classification (germline): Likely pathogenic (1 of 4 stars; one submission).

Conditions:
Autosomal recessive nonsyndromic hearing loss 3. Also called: NEUROSENSORY NONSYNDROMIC RECESSIVE DEAFNESS 3. Identifiers: Orphanet 90636, MedGen C1838263, MONDO:0010860, OMIM 600316.

Submission:

Juno Genomics, Hangzhou Juno Genomics, Inc
Classification: Likely pathogenic for Autosomal recessive nonsyndromic hearing loss 3. Review status: criteria provided, single submitter. Criteria: ACMG Guidelines, 2015. Collection method: clinical testing. Allele origin: germline.
Comment: Null variant in a gene where loss of function (LOF) is a known mechanism of disease.;Absent from controls (or at extremely low frequency if recessive) in Genome Aggregation Database.